The following is an entry in ClinVar:

NM_000268.4(NF2):c.114+3A>T

Gene: NF2 (NF2, moesin-ezrin-radixin like (MERLIN) tumor suppressor; plus strand). Cytogenetic location: 22q12.2.
Variant type: single nucleotide variant.
Coding change: c.114+3A>T on transcript NM_000268.4 (MANE Select); 3 bases into the intron after coding-DNA position 114, A replaced by T.
Molecular consequence: intron variant.
Genome position (GRCh38, 1-based): chr22:29,604,115, A>T. VCF-style: chr22-29604115-A-T. GRCh37 (hg19) VCF-style: chr22-30000104-A-T.
Other names: c.114+3A>T (NM_000268.3, NM_016418.5, NM_181832.3 and 16 more transcripts); c.-117+3A>T (NM_001407056.1, NM_001407053.1); c.-143+3A>T (NM_001407067.1); c.-527+3A>T (NM_001407065.1).
Identifiers: ClinVar variation 3897735 (VCV003897735.1).

ClinVar aggregate classification (germline): Likely pathogenic (1 of 4 stars; one submission).
ClinVar aggregate classification (oncogenicity): Uncertain significance (1 of 4 stars; one submission).

Conditions:
Hereditary cancer-predisposing syndrome. Also called: Neoplastic Syndromes, Hereditary; Tumor predisposition; Hereditary Cancer Syndrome; Hereditary neoplastic syndrome. Identifiers: Orphanet 140162, MedGen C0027672, MeSH D009386, MONDO:0015356.
Meningioma. Also called: Meningioma, somatic. Identifiers: Orphanet 2495, MedGen C0025286, MONDO:0016642, HP:0002858.

Submissions (2):

Ambry Genetics
Classification: Likely pathogenic for Hereditary cancer-predisposing syndrome. Last evaluated: 2025-07-03. Review status: criteria provided, single submitter. Criteria: Ambry Variant Classification Scheme 2023. Collection method: clinical testing. Allele origin: germline.
Comment: The c.114+3A>T intronic variant results from an A to T substitution 3 nucleotides after coding exon 1 in the NF2 gene. This variant was reported in individual(s) with features consistent with NF2-related schwannomatosis (Ambry internal data). Other variant(s) impacting the same donor site (c.113A>C) have been identified in individual(s) with features consistent with NF2-related schwannomatosis (Ambry internal data). In silico splice site analysis predicts that this alteration will weaken the native splice donor site and may result in the creation or strengthening of a novel splice donor site; however, direct evidence is insufficient at this time (Ambry internal data). This variant is considered to be rare based on population cohorts in the Genome Aggregation Database (gnomAD). Based on the majority of available evidence to date, this variant is likely to be pathogenic.

Dr. Guy Rouleau's laboratory, McGill University
Classification: Uncertain significance for Meningioma. Last evaluated: 2025-03-30. Review status: criteria provided, single submitter. Criteria: ClinGen/CGC/VICC Guidelines for Oncogenicity, 2022. Collection method: research. Allele origin: somatic. Affected: yes.
Comment: This intronic variant (c.114+3A>T) occurs at position +3, after coding exon 2 of the NF2 gene. This somatic variant was identified in a paired tumor-blood sequencing study of meningiomas. It has not been reported in population databases (gnomAD v2.1.1: no frequency). Due to insufficient evidence, the clinical significance of this variant remains unknown.